The following is an entry in ClinVar:

NM_194248.3(OTOF):c.2609_2612dup (p.Phe872fs)

Gene: OTOF (otoferlin; minus strand). Cytogenetic location: 2p23.3.
Variant type: Duplication.
Coding change: c.2609_2612dup on transcript NM_194248.3 (MANE Select); coding-DNA positions 2609 to 2612, 4 bases duplicated (TGCT; older notation c.2609_2612dupTGCT).
Protein change: p.Phe872fs; shifts the reading frame from phenylalanine 872.
Molecular consequence: frameshift variant.
Genome position (GRCh38, 1-based): chr2:26,476,955-26,476,958, AGCA duplicated on the plus strand (TGCT on the coding strand, the reverse complement: OTOF is on the minus strand). VCF-style (leftmost placement, unchanged base first): chr2-26476954-G-GAGCA. GRCh37 (hg19) VCF-style: chr2-26699822-G-GAGCA.
Other names: c.2609_2612dup, p.Phe872fs (NM_001287489.2); c.368_371dup, p.Phe125fs (NM_004802.4, NM_194323.3); c.539_542dup, p.Phe182fs (NM_194322.3); short protein forms F125fs, F182fs, F872fs.
Identifiers: ClinVar variation 3899354 (VCV003899354.2).

ClinVar aggregate classification (germline): Likely pathogenic (1 of 4 stars; one submission).

Conditions:
Autosomal recessive nonsyndromic hearing loss 9. Also called: Deafness, autosomal recessive 9; NEUROSENSORY NONSYNDROMIC RECESSIVE DEAFNESS 9; OTOF-Related Hearing Loss; AUDITORY NEUROPATHY, AUTOSOMAL RECESSIVE, 1, TEMPERATURE-SENSITIVE. Identifiers: Orphanet 90636, MedGen C1832828, MONDO:0010986, OMIM 601071.

Submission:

Juno Genomics, Hangzhou Juno Genomics, Inc
Classification: Likely pathogenic for Autosomal recessive nonsyndromic hearing loss 9. Review status: criteria provided, single submitter. Criteria: ACMG Guidelines, 2015. Collection method: clinical testing. Allele origin: germline. Affected: yes.
Comment: Absent from controls (or at extremely low frequency if recessive) in Genome Aggregation Database, Exome Sequencing Project, 1000 Genomes Project, or Exome Aggregation Consortium.;Null variant in a gene where loss of function (LOF) is a known mechanism of disease.